The following is an entry in ClinVar:

ClinVar aggregate classification (germline): Uncertain significance. Review status: criteria provided, multiple submitters, no conflicts (2 of 4 stars). 5 submissions from 5 submitters: Uncertain significance (5). Last evaluated 2026-01-28.

Conditions:
Hereditary cancer-predisposing syndrome. Also called: Tumor predisposition; Hereditary Cancer Syndrome; Neoplastic Syndromes, Hereditary; Hereditary neoplastic syndrome. Identifiers: Orphanet 140162, MedGen C0027672, MeSH D009386, MONDO:0015356.
POLD1-related polyposis and colorectal cancer syndrome (CRCS10). Also called: Colorectal cancer 10; COLORECTAL CANCER, SUSCEPTIBILITY TO, ON CHROMOSOME 19q; Colorectal cancer, susceptibility to, 10. Identifiers: Orphanet 220460, MedGen C2675481, MONDO:0012953, OMIM 612591.
Mandibular hypoplasia-deafness-progeroid syndrome. Also called: Mandibular hypoplasia, deafness, progeroid features, and lipodystrophy syndrome. Identifiers: Orphanet 363649, MedGen C3715192, MONDO:0014157, OMIM 615381.
POLD1-related disorder. Also called: POLD1-related condition; POLD1-related disorders.

Allele frequency attached by ClinVar (database versions not stated): gnomAD exomes 0.00001 and 0.00003; gnomAD 0.00003 and 0.00004; TOPMed 0.00003; ExAC 0.00007; ESP Exome Variant Server 0.00008.

Submissions (5):

Labcorp Genetics (formerly Invitae), Labcorp
Classification: Uncertain significance for POLD1-related polyposis and colorectal cancer syndrome. Last evaluated: 2026-01-28. Review status: criteria provided, single submitter. Criteria: Invitae Variant Classification Sherloc (09022015). Collection method: clinical testing. Allele origin: germline.
Comment: This sequence change replaces arginine, which is basic and polar, with tryptophan, which is neutral and slightly polar, at codon 166 of the POLD1 protein (p.Arg166Trp). This variant is present in population databases (rs376236497, gnomAD 0.04%). This variant has not been reported in the literature in individuals affected with POLD1-related conditions. ClinVar contains an entry for this variant (Variation ID: 221171). Invitae Evidence Modeling of protein sequence and biophysical properties (such as structural, functional, and spatial information, amino acid conservation, physicochemical variation, residue mobility, and thermodynamic stability) indicates that this missense variant is not expected to disrupt POLD1 protein function with a negative predictive value of 80%. In summary, the available evidence is currently insufficient to determine the role of this variant in disease. Therefore, it has been classified as a Variant of Uncertain Significance.

PreventionGenetics, part of Exact Sciences
Classification: Uncertain significance for POLD1-related condition. Last evaluated: 2025-08-27. Review status: criteria provided, single submitter. Criteria: ACMG Guidelines, 2015. Collection method: clinical testing. Allele origin: germline.
Comment: The POLD1 c.496C>T variant is predicted to result in the amino acid substitution p.Arg166Trp. To our knowledge, this variant has not been reported in the literature. This variant is reported in 0.045% of alleles in individuals of East Asian descent in gnomAD. This variant is interpreted as uncertain in ClinVar (Variation ID: 221171). At this time, the clinical significance of this variant is uncertain due to the absence of conclusive functional and genetic evidence.

Ambry Genetics
Classification: Uncertain significance for Hereditary cancer-predisposing syndrome. Last evaluated: 2025-01-09. Review status: criteria provided, single submitter. Criteria: Ambry Variant Classification Scheme 2023. Collection method: clinical testing. Allele origin: germline.
Comment: The p.R166W variant (also known as c.496C>T), located in coding exon 4 of the POLD1 gene, results from a C to T substitution at nucleotide position 496. The arginine at codon 166 is replaced by tryptophan, an amino acid with dissimilar properties. This amino acid position is not well conserved in available vertebrate species. In addition, this alteration is predicted to be tolerated by in silico analysis. Based on the available evidence, the clinical significance of this variant remains unclear.

GeneDx
Classification: Uncertain significance. Last evaluated: 2023-09-28. Review status: criteria provided, single submitter. Criteria: GeneDx Variant Classification Process June 2021. Collection method: clinical testing. Allele origin: germline. Affected: yes.
Comment: In silico analysis supports that this missense variant has a deleterious effect on protein structure/function; Has not been previously published as pathogenic or benign to our knowledge; This variant is associated with the following publications: (PMID: 28481359, 29056344)

Fulgent Genetics
Classification: Uncertain significance for POLD1-related polyposis and colorectal cancer syndrome; Mandibular hypoplasia-deafness-progeroid syndrome. Last evaluated: 2018-10-31. Review status: criteria provided, single submitter. Criteria: ACMG Guidelines, 2015. Collection method: clinical testing. Allele origin: unknown.

NM_002691.4(POLD1):c.496C>T (p.Arg166Trp)

Gene: POLD1 (DNA polymerase delta 1, catalytic subunit; plus strand). Cytogenetic location: 19q13.33.
Variant type: single nucleotide variant.
Coding change: c.496C>T on transcript NM_002691.4 (MANE Select); coding-DNA position 496, C replaced by T.
Protein change: p.Arg166Trp; replaces arginine 166 with tryptophan.
Molecular consequence: missense variant. On other transcripts: non-coding transcript variant (1).
Genome position (GRCh38, 1-based): chr19:50,402,031, C>T. VCF-style: chr19-50402031-C-T. GRCh37 (hg19) VCF-style: chr19-50905288-C-T.
Other names: c.496C>T, p.Arg166Trp (NM_001256849.1, NM_001308632.1); c.496C>T (NM_002691.2); short protein forms R166W.
Identifiers: ClinVar variation 221171 (VCV000221171.16), dbSNP rs376236497, ClinGen allele CA349525.